The following is an entry in ClinVar:

NM_001013838.3(CARMIL2):c.1469C>T (p.Thr490Met)

Gene: CARMIL2 (capping protein regulator and myosin 1 linker 2; plus strand). Cytogenetic location: 16q22.1.
Variant type: single nucleotide variant.
Coding change: c.1469C>T on transcript NM_001013838.3 (MANE Select); coding-DNA position 1469, C replaced by T.
Protein change: p.Thr490Met; replaces threonine 490 with methionine.
Molecular consequence: missense variant.
Genome position (GRCh38, 1-based): chr16:67,648,714, C>T. VCF-style: chr16-67648714-C-T. GRCh37 (hg19) VCF-style: chr16-67682617-C-T.
Other names: c.1361C>T, p.Thr454Met (NM_001317026.3); short protein forms T454M, T490M.
Identifiers: ClinVar variation 3613727 (VCV003613727.2).

ClinVar aggregate classification (germline): Uncertain significance (1 of 4 stars; one submission).

gnomAD v4.1: 13 of 1,607,436 alleles (0.00081%); highest among the groups gnomAD compares: South Asian, 0.0011%; no homozygotes.

Submission:

Labcorp Genetics (formerly Invitae), Labcorp
Classification: Uncertain significance. Last evaluated: 2025-07-06. Review status: criteria provided, single submitter. Criteria: Invitae Variant Classification Sherloc (09022015). Collection method: clinical testing. Allele origin: germline.
Comment: This sequence change replaces threonine, which is neutral and polar, with methionine, which is neutral and non-polar, at codon 490 of the CARMIL2 protein (p.Thr490Met). This variant is not present in population databases (gnomAD no frequency). This variant has not been reported in the literature in individuals affected with CARMIL2-related conditions. ClinVar contains an entry for this variant (Variation ID: 3613727). Invitae Evidence Modeling of protein sequence and biophysical properties (such as structural, functional, and spatial information, amino acid conservation, physicochemical variation, residue mobility, and thermodynamic stability) indicates that this missense variant is not expected to disrupt CARMIL2 protein function with a negative predictive value of 80%. In summary, the available evidence is currently insufficient to determine the role of this variant in disease. Therefore, it has been classified as a Variant of Uncertain Significance.